The following is an entry in ClinVar:

NM_139318.5(KCNH5):c.1931A>G (p.Glu644Gly)

Gene: KCNH5 (potassium voltage-gated channel subfamily H member 5; minus strand). Cytogenetic location: 14q23.2.
Variant type: single nucleotide variant.
Coding change: c.1931A>G on transcript NM_139318.5 (MANE Select); coding-DNA position 1931, A replaced by G.
Protein change: p.Glu644Gly; replaces glutamic acid 644 with glycine.
Molecular consequence: missense variant. On other transcripts: intron variant (1).
Genome position (GRCh38, 1-based): chr14:62,779,816, T>C on the plus strand (A>G on the coding strand, the complement: KCNH5 is on the minus strand). VCF-style: chr14-62779816-T-C. GRCh37 (hg19) VCF-style: chr14-63246534-T-C.
Other names: c.1822+22513A>G (NM_172375.3); short protein forms E644G.
Identifiers: ClinVar variation 1393859 (VCV001393859.7), dbSNP rs779052121, ClinGen allele CA7217378.

ClinVar aggregate classification (germline): Uncertain significance (1 of 4 stars; one submission).

Conditions:
Early-infantile DEE. Also called: Early infantile epileptic encephalopathy; Ohtahara syndrome; Early infantile epileptic encephalopathy with suppression bursts. Identifiers: Orphanet 1934, MedGen C0393706, MONDO:0800491.

Allele frequency attached by ClinVar (database versions not stated): gnomAD 0.00001; ExAC 0.00002; gnomAD exomes 0.00002; TOPMed 0.00005.
gnomAD v4.1: 34 of 1,613,894 alleles (0.0021%); highest among the groups gnomAD compares: East Asian, 0.074%; no homozygotes.

Submission:

Labcorp Genetics (formerly Invitae), Labcorp
Classification: Uncertain significance for Early-infantile DEE. Last evaluated: 2024-01-27. Review status: criteria provided, single submitter. Criteria: Invitae Variant Classification Sherloc (09022015). Collection method: clinical testing. Allele origin: germline.
Comment: This sequence change replaces glutamic acid, which is acidic and polar, with glycine, which is neutral and non-polar, at codon 644 of the KCNH5 protein (p.Glu644Gly). This variant is present in population databases (rs779052121, gnomAD 0.02%). This variant has not been reported in the literature in individuals affected with KCNH5-related conditions. ClinVar contains an entry for this variant (Variation ID: 1393859). Advanced modeling of protein sequence and biophysical properties (such as structural, functional, and spatial information, amino acid conservation, physicochemical variation, residue mobility, and thermodynamic stability) performed at Invitae indicates that this missense variant is not expected to disrupt KCNH5 protein function with a negative predictive value of 95%. In summary, the available evidence is currently insufficient to determine the role of this variant in disease. Therefore, it has been classified as a Variant of Uncertain Significance.